The following is an entry in ClinVar:

ClinVar aggregate classification (germline): Benign/Likely benign. Review status: criteria provided, multiple submitters, no conflicts (2 of 4 stars). 3 submissions from 3 submitters: Benign (1); Likely benign (2). Last evaluated 2026-04-17.

Conditions:
Hereditary cancer-predisposing syndrome. Also called: Hereditary neoplastic syndrome; Neoplastic Syndromes, Hereditary; Hereditary Cancer Syndrome; Tumor predisposition. Identifiers: Orphanet 140162, MedGen C0027672, MeSH D009386, MONDO:0015356.
DICER1-related tumor predisposition. Also called: DICER1-related pleuropulmonary blastoma cancer predisposition syndrome; DICER1 syndrome. Identifiers: Orphanet 284343, MedGen C3839822, MONDO:0100216.

Allele frequency attached by ClinVar (database versions not stated): gnomAD exomes 0.00001; TOPMed 0.00003; gnomAD 0.00001.
gnomAD v4.1: 6 of 1,614,058 alleles (0.00037%); highest among the groups gnomAD compares: Admixed American, 0.0017%; no homozygotes.

Submissions (3):

Myriad Genetics, Inc.
Classification: Benign for DICER1-related tumor predisposition. Last evaluated: 2026-04-17. Review status: criteria provided, single submitter. Criteria: Myriad Autosomal Dominant, Autosomal Recessive and X-Linked Classification Criteria (2023). Collection method: clinical testing. Allele origin: unknown.
Comment: This variant is considered benign. This variant is a silent/synonymous amino acid change and it is not expected to impact splicing.

Labcorp Genetics (formerly Invitae), Labcorp
Classification: Likely benign for DICER1-related tumor predisposition. Last evaluated: 2026-01-12. Review status: criteria provided, single submitter. Criteria: Invitae Variant Classification Sherloc (09022015). Collection method: clinical testing. Allele origin: germline.

Ambry Genetics
Classification: Likely benign for Hereditary cancer-predisposing syndrome. Last evaluated: 2017-10-12. Review status: criteria provided, single submitter. Criteria: Ambry Variant Classification Scheme 2023. Collection method: clinical testing. Allele origin: germline.

NM_177438.3(DICER1):c.3414T>C (p.Asn1138=)

Gene: DICER1 (dicer 1, ribonuclease III; minus strand). Cytogenetic location: 14q32.13.
Variant type: single nucleotide variant.
Coding change: c.3414T>C on transcript NM_177438.3 (MANE Select); coding-DNA position 3414, T replaced by C.
Protein change: p.Asn1138=; no amino-acid change (asparagine 1138 retained).
Molecular consequence: synonymous variant.
Genome position (GRCh38, 1-based): chr14:95,103,982, A>G on the plus strand (T>C on the coding strand, the complement: DICER1 is on the minus strand). VCF-style: chr14-95103982-A-G. GRCh37 (hg19) VCF-style: chr14-95570319-A-G.
Other names: c.3414T>C, p.Asn1138= (NM_001195573.1, NM_001271282.3, NM_001291628.2 and 1 more transcripts).
Identifiers: ClinVar variation 477139 (VCV000477139.18), dbSNP rs1248977051, ClinGen allele CA487844582.